The following is an entry in ClinVar:

ClinVar aggregate classification (germline): Benign. Review status: criteria provided, multiple submitters, no conflicts (2 of 4 stars). 4 submissions from 4 submitters: Benign (4). Last evaluated 2026-01-26.

Allele frequency attached by ClinVar (database versions not stated): gnomAD 0.00185 and 0.00587; ESP Exome Variant Server 0.00217; TOPMed 0.00276; gnomAD exomes 0.00898 and 0.01776; ExAC 0.01940; 1000 Genomes Project 30x 0.02639; 1000 Genomes Project 0.02895.
gnomAD v4.1: 14,135 of 1,609,314 alleles (0.88%); highest among the groups gnomAD compares: South Asian, 12%; 796 homozygotes.

Submissions (4):

Labcorp Genetics (formerly Invitae), Labcorp
Classification: Benign. Last evaluated: 2026-01-26. Review status: criteria provided, single submitter. Criteria: Invitae Variant Classification Sherloc (09022015). Collection method: clinical testing. Allele origin: germline.

Mayo Clinic Laboratories, Mayo Clinic
Classification: Benign. Last evaluated: 2023-04-28. Review status: criteria provided, single submitter. Criteria: ACMG Guidelines, 2015. Collection method: clinical testing. Allele origin: germline. Observed: 19 variant alleles.

GeneDx
Classification: Benign. Last evaluated: 2015-10-27. Review status: criteria provided, single submitter. Criteria: GeneDx Variant Classification (06012015). Collection method: clinical testing. Allele origin: germline. Affected: yes.
Comment: This variant is considered likely benign or benign based on one or more of the following criteria: it is a conservative change, it occurs at a poorly conserved position in the protein, it is predicted to be benign by multiple in silico algorithms, and/or has population frequency not consistent with disease.

Breakthrough Genomics
Classification: Benign. Review status: criteria provided, single submitter. Criteria: ACMG Guidelines, 2015. Collection method: not provided. Allele origin: germline. Inheritance: Autosomal recessive inheritance. Affected: yes.

NM_139242.4(MTFMT):c.601G>A (p.Ala201Thr)

Gene: MTFMT (mitochondrial methionyl-tRNA formyltransferase; minus strand). Cytogenetic location: 15q22.31.
Variant type: single nucleotide variant.
Coding change: c.601G>A on transcript NM_139242.4 (MANE Select); coding-DNA position 601, G replaced by A.
Protein change: p.Ala201Thr; replaces alanine 201 with threonine.
Molecular consequence: missense variant.
Genome position (GRCh38, 1-based): chr15:65,021,558, C>T on the plus strand (G>A on the coding strand, the complement: MTFMT is on the minus strand). VCF-style: chr15-65021558-C-T. GRCh37 (hg19) VCF-style: chr15-65313896-C-T.
Other names: p.Ala201Thr; short protein forms A201T.
Identifiers: ClinVar variation 378175 (VCV000378175.11), dbSNP rs111388106, ClinGen allele CA7613314.